The following is an entry in ClinVar:

ClinVar aggregate classification (germline): Uncertain significance (1 of 4 stars; one submission).

Allele frequency attached by ClinVar (database versions not stated): TOPMed 0.00001.
gnomAD v4.1: 1 of 1,551,864 alleles (0.000064%); highest among the groups gnomAD compares: East Asian, 0.0024%; no homozygotes.

Submission:

Labcorp Genetics (formerly Invitae), Labcorp
Classification: Uncertain significance. Last evaluated: 2023-07-17. Review status: criteria provided, single submitter. Criteria: Invitae Variant Classification Sherloc (09022015). Collection method: clinical testing. Allele origin: germline.
Comment: An algorithm developed to predict the effect of missense changes on protein structure and function (PolyPhen-2) suggests that this variant is likely to be disruptive. ClinVar contains an entry for this variant (Variation ID: 938256). This variant has not been reported in the literature in individuals affected with DTHD1-related conditions. This variant is present in population databases (no rsID available, gnomAD 0.01%). This sequence change replaces valine, which is neutral and non-polar, with leucine, which is neutral and non-polar, at codon 362 of the DTHD1 protein (p.Val362Leu). In summary, the available evidence is currently insufficient to determine the role of this variant in disease. Therefore, it has been classified as a Variant of Uncertain Significance.

NM_001170700.3(DTHD1):c.1954G>T (p.Val652Leu)

Gene: DTHD1 (death domain containing 1; plus strand). Cytogenetic location: 4p14.
Variant type: single nucleotide variant.
Coding change: c.1954G>T on transcript NM_001170700.3 (MANE Select); coding-DNA position 1954, G replaced by T.
Protein change: p.Val652Leu; replaces valine 652 with leucine.
Molecular consequence: missense variant. On other transcripts: non-coding transcript variant (2).
Genome position (GRCh38, 1-based): chr4:36,308,352, G>T. VCF-style: chr4-36308352-G-T. GRCh37 (hg19) VCF-style: chr4-36309974-G-T.
Other names: c.1084G>T, p.Val362Leu (NM_001136536.5); c.1021G>T, p.Val341Leu (NM_001378435.1); short protein forms V652L, V341L, V362L.
Identifiers: ClinVar variation 938256 (VCV000938256.9), dbSNP rs1185556863, ClinGen allele CA356680981.
Genomic context (GRCh38, chr4:36,308,352, plus strand): 5'-ACTGCCTGCATAGTACTGTCTCACCAGAAGGACAATCCACATAGAATAGCTGTTTTAGTG[G>T]TGCCTTCCAAAGATTTAAGCCAGGTGCTTAAGGACCTGCACTTGGAAGGGTTTGGAGGAC-3'
Protein context (NP_001164171.2, residues 642-662): DNPHRIAVLV[Val652Leu]PSKDLSQVLK